The following is an entry in ClinVar:

ClinVar aggregate classification (germline): Uncertain significance. Review status: criteria provided, multiple submitters, no conflicts (2 of 4 stars). 2 submissions from 2 submitters: Uncertain significance (2). Last evaluated 2025-03-11.

Allele frequency attached by ClinVar (database versions not stated): ExAC 0.00043; gnomAD exomes 0.00049 and 0.00119; gnomAD 0.00059; TOPMed 0.00061; ESP Exome Variant Server 0.00074.
gnomAD v4.1: 1,824 of 1,613,878 alleles (0.11%); highest among the groups gnomAD compares: Non-Finnish European, 0.15%; 3 homozygotes.

Submissions (2):

Labcorp Genetics (formerly Invitae), Labcorp
Classification: Uncertain significance. Last evaluated: 2025-03-11. Review status: criteria provided, single submitter. Criteria: Invitae Variant Classification Sherloc (09022015). Collection method: clinical testing. Allele origin: germline.
Comment: This sequence change replaces glutamic acid, which is acidic and polar, with aspartic acid, which is acidic and polar, at codon 4096 of the FAT1 protein (p.Glu4096Asp). This variant is present in population databases (rs202166446, gnomAD 0.1%), and has an allele count higher than expected for a pathogenic variant. This variant has not been reported in the literature in individuals affected with FAT1-related conditions. ClinVar contains an entry for this variant (Variation ID: 1408817). An algorithm developed to predict the effect of missense changes on protein structure and function outputs the following: PolyPhen-2: "Benign". The aspartic acid amino acid residue is found in multiple mammalian species, which suggests that this missense change does not adversely affect protein function. In summary, the available evidence is currently insufficient to determine the role of this variant in disease. Therefore, it has been classified as a Variant of Uncertain Significance.

Blueprint Genetics
Classification: Uncertain significance. Last evaluated: 2024-11-20. Review status: criteria provided, single submitter. Criteria: ACMG Guidelines, 2015. Collection method: clinical testing. Allele origin: germline.

NM_005245.4(FAT1):c.12288A>C (p.Glu4096Asp)

Gene: FAT1 (FAT atypical cadherin 1; minus strand). Cytogenetic location: 4q35.2.
Variant type: single nucleotide variant.
Coding change: c.12288A>C on transcript NM_005245.4 (MANE Select); coding-DNA position 12288, A replaced by C.
Protein change: p.Glu4096Asp; replaces glutamic acid 4096 with aspartic acid.
Molecular consequence: missense variant.
Genome position (GRCh38, 1-based): chr4:186,597,762, T>G on the plus strand (A>C on the coding strand, the complement: FAT1 is on the minus strand). VCF-style: chr4-186597762-T-G. GRCh37 (hg19) VCF-style: chr4-187518916-T-G.
Other names: short protein forms E4096D.
Identifiers: ClinVar variation 1408817 (VCV001408817.8), dbSNP rs202166446, ClinGen allele CA3164864.